The following is an entry in ClinVar:

NM_000465.4(BARD1):c.2300_2301del (p.Val767fs)

Gene: BARD1 (BRCA1 associated RING domain 1; minus strand). Cytogenetic location: 2q35.
Variant type: Microsatellite.
Coding change: c.2300_2301del on transcript NM_000465.4 (MANE Select); coding-DNA positions 2300 to 2301, 2 bases deleted (TG; older notation c.2300_2301delTG).
Protein change: p.Val767fs; shifts the reading frame from valine 767.
Molecular consequence: frameshift variant. On other transcripts: non-coding transcript variant (3).
Genome position (GRCh38, 1-based): chr2:214,728,709-214,728,710, CA deleted on the plus strand (TG on the coding strand, the reverse complement: BARD1 is on the minus strand); deleting any 2 consecutive bases within chr2:214,728,709-214,728,714 gives the same sequence; the c. name uses the placement nearest the transcript's 3' end. VCF-style (leftmost placement, unchanged base first): chr2-214728708-TCA-T. GRCh37 (hg19) VCF-style: chr2-215593432-TCA-T.
Other names: c.2243_2244del, p.Val748fs (NM_001282543.2); c.947_948del, p.Val316fs (NM_001282545.2); c.890_891del, p.Val297fs (NM_001282548.2); c.761_762del, p.Val254fs (NM_001282549.2); c.2300_2301del (NM_000465.2, NM_000465.3); c.2300_2301delTG (NM_000465.4); short protein forms V254fs, V297fs, V748fs, V316fs, V767fs.
Identifiers: ClinVar variation 230523 (VCV000230523.59), dbSNP rs750413473, ClinGen allele CA2090050.

ClinVar aggregate classification (germline): Pathogenic/Likely pathogenic. Review status: criteria provided, multiple submitters, no conflicts (2 of 4 stars). 18 submissions from 18 submitters: Pathogenic (2); Likely pathogenic (12). 4 of the submissions do not count toward it. Last evaluated 2026-05-08.

Conditions:
BARD1-related cancer predisposition. Identifiers: MedGen CN377756, MONDO:0700267.
BARD1-related disorder. Also called: BARD1-related condition.
Hereditary cancer-predisposing syndrome. Also called: Neoplastic Syndromes, Hereditary; Hereditary Cancer Syndrome; Tumor predisposition; Hereditary neoplastic syndrome. Identifiers: Orphanet 140162, MedGen C0027672, MeSH D009386, MONDO:0015356.
Hereditary breast ovarian cancer syndrome. Also called: Breast and ovarian cancer; BRCA1- and BRCA2-Associated Hereditary Breast and Ovarian Cancer; Hereditary breast and ovarian cancer syndrome; Hereditary breast and ovarian cancer syndrome (HBOC); Hereditary breast and/or ovarian cancer syndrome; Hereditary breast and ovarian cancer. Identifiers: Orphanet 145, MedGen C0677776, MeSH D061325, MONDO:0003582. Disease mechanism: loss of function.
Familial cancer of breast. Also called: hereditary breast carcinoma; Hereditary breast cancer; BREAST CANCER, FAMILIAL. Identifiers: Orphanet 227535, MedGen C0346153, MONDO:0016419, OMIM 114480. Disease mechanism: loss of function.
Breast and/or ovarian cancer. Identifiers: MedGen CN221562.

Submissions 1 to 10 of 18:

Institute of Human Genetics, Heidelberg University
Classification: Likely pathogenic for Familial cancer of breast. Last evaluated: 2026-05-08. Review status: criteria provided, single submitter. Criteria: ACMG Guidelines, 2015. Collection method: clinical testing. Allele origin: maternal. Observed: 2 variant alleles.
Comment: PVS1_str, PM2_supp, PS3_supp

Labcorp Genetics (formerly Invitae), Labcorp
Classification: Likely pathogenic for Familial cancer of breast. Last evaluated: 2026-01-28. Review status: criteria provided, single submitter. Criteria: Invitae Variant Classification Sherloc (09022015). Collection method: clinical testing. Allele origin: germline.
Comment: This sequence change creates a premature translational stop signal (p.Val767Aspfs*4) in the BARD1 gene. While this is not anticipated to result in nonsense mediated decay, it is expected to disrupt the last 11 amino acid(s) of the BARD1 protein. This variant is present in population databases (rs750413473, gnomAD 0.006%). This premature translational stop signal has been observed in individual(s) with breast or ovarian cancer (PMID: 25452441, 26315354, 36551643, 37563628). ClinVar contains an entry for this variant (Variation ID: 230523). This variant disrupts the C-terminal BRCT domain of BARD1 protein, which is required for chromosome stability and homology-directed repair (PMID: 17848578). A different variant (p.Val767fs) that lies downstream of this variant has been reported to affect BARD1 protein function (PMID: 30925164), this suggests that disruption of this region of the protein is causative of disease. In summary, the currently available evidence indicates that the variant is pathogenic, but additional data are needed to prove that conclusively. Therefore, this variant has been classified as Likely Pathogenic.

German Consortium for Hereditary Breast and Ovarian Cancer, University Hospital Cologne
Classification: Likely pathogenic for Hereditary breast ovarian cancer syndrome. Last evaluated: 2025-11-17. Review status: criteria provided, single submitter. Criteria: ACMG Guidelines, 2015. Collection method: curation. Allele origin: germline.
Comment: This classification follows the ACMG SVI adaptation classification scheme; We chose these criteria: PVS1 (strong pathogenic): Not predicted to undergo NMD, PTC in last 11aa in critical BRCT2 domain (Relevant domain indicated by experimental evidence by PMID: 17550235), PS3 (medium pathogenic): Published functional studies suggest a damaging effect: reduced HDR activity (Adamovich et al., 2019), PS4 (medium pathogenic): case-control OR more frequent in patients (Öfverholm et al. 2023, PMID: 37563628 vs. UK-Biobank Europäischen control cohort) 3 in 4622 case genotypes vs 2 in 314392 control genotypes gives an odds ratio of 102.1 (95%CI=17.06-611.16) 11 families in GC-HBOC

Quest Diagnostics Nichols Institute San Juan Capistrano
Classification: Likely pathogenic. Last evaluated: 2025-07-10. Review status: criteria provided, single submitter. Criteria: Quest Diagnostics criteria. Collection method: clinical testing. Allele origin: unknown.
Comment: The BARD1 c.2300_2301del (p.Val767Aspfs*4) variant alters the translational reading frame of the BARD1 mRNA and is predicted to cause the premature termination of BARD1 protein synthesis. This variant has been reported in the published literature in individuals with breast and/or ovarian cancer (PMID: 25452441 (2015), 26315354 (2015), 32075053 (2020), 34445631 (2021), 36551643 (2022), 37563628 (2023), 39061202 (2024), 39684258 (2024)), endometrial cancer (PMID: 39400928 (2024)), renal cancer (PMID: 34654685 (2021)), and gastroesophageal cancer (PMID: 35078243 (2022)). A functional study demonstrated that this variant had damaging effects on protein function (PMID: 30925164 (2019)). The frequency of this variant in the general population (Genome Aggregation Database) is uninformative in the assessment of its pathogenicity. Based on the available information, this variant is classified as likely pathogenic.

Color Diagnostics, LLC DBA Color Health
Classification: Likely pathogenic for Hereditary cancer-predisposing syndrome. Last evaluated: 2025-05-06. Review status: criteria provided, single submitter. Criteria: ACMG Guidelines, 2015. Collection method: clinical testing. Allele origin: germline.
Comment: This variant deletes 2 nucleotides in exon 11 of the BARD1 gene, creating a frameshift and premature translation stop signal. This variant is not expected to trigger nonsense-mediated decay. This variant is predicted to delete or alter the last 11 amino acids of the BARD1 protein, including the C-terminus of the BRCT2 domain that facilitates protein-protein interaction involved in BARD1's role in DNA repair and tumor suppression (PMID: 17550235, 17848578, 26738429). A functional study has found the variant protein to be severely compromised for homology-directed repair activity in human cell assays (PMID: 30925164). This variant has been reported in at least three individuals affected with breast cancer, including two individuals with triple-negative breast cancer (PMID: 25452441, 34445631, 36551643, 39684258). This variant has also been reported in an individual affected with ovarian cancer (PMID: 26315354), in an individual affected with endometrial cancer (PMID: 39400928), and in an individual over the age of 70 without cancer (FLOSSIES database). This variant has been identified in 9/282570 chromosomes in the general population by the Genome Aggregation Database (gnomAD). Loss of BARD1 function is a known mechanism of disease. Based on the available evidence, this variant is classified as Likely Pathogenic.

Center for Genomic Medicine, Rigshospitalet, Copenhagen University Hospital
Classification: Pathogenic. Last evaluated: 2025-03-04. Review status: criteria provided, single submitter. Criteria: ACMG Guidelines, 2015. Collection method: clinical testing. Allele origin: germline.

Department of Pathology and Laboratory Medicine, Sinai Health System
Classification: Likely pathogenic for BARD1-related cancer predisposition. Last evaluated: 2025-01-28. Review status: criteria provided, single submitter. Criteria: ACMG Guidelines, 2015. Collection method: clinical testing. Allele origin: germline.

Ambry Genetics
Classification: Likely pathogenic for Hereditary cancer-predisposing syndrome. Last evaluated: 2025-01-11. Review status: criteria provided, single submitter. Criteria: Ambry Variant Classification Scheme 2023. Collection method: clinical testing. Allele origin: germline.
Comment: The c.2300_2301delTG variant, located in coding exon 11 of the BARD1 gene, results from a deletion of two nucleotides at nucleotide positions 2300 to 2301, causing a translational frameshift with a predicted alternate stop codon (p.V767Dfs*4). This alteration occurs at the 3' terminus of BARD1 gene, is not expected to trigger nonsense-mediated mRNA decay, and only impacts the last eleven amino acids of the protein. However, premature stop codons are typically deleterious in nature and structural analysis suggests this alteration would destabilize one of the BRCT domains in the BARD1 protein which are important for interactions with several proteins (Birrane G et al. Biochemistry 2007 Jul; 46(26):7706-12; Feki A et al. Oncogene 2005 May; 24(23):3726-36; Edwards RA et al. Biochemistry 2008 Nov; 47(44):11446-56; Rodriguez M et al. J. Biol. Chem. 2003 Dec; 278(52):52914-8). This alteration was found to be non-functional in a homology-directed DNA repair (Adamovich AI et al. PLoS Genet. 2019 03;15:e1008049). This variant has been detected in at least two individuals with triple-negative breast cancer and one individual with serous ovarian cancer (Couch FJ et al. J. Clin. Oncol. 2015 Feb; 33(4):304-11; Gong Y et al. Int J Mol Sci. 2021 Aug;22:; Ramus SJ et al. J. Natl. Cancer Inst. 2015 Nov;107(11)). Based on the majority of available evidence to date, this variant is likely to be pathogenic.

Blueprint Genetics
Classification: Likely pathogenic for BARD1-related disorders. Last evaluated: 2024-10-01. Review status: criteria provided, single submitter. Criteria: ACMG Guidelines, 2015. Collection method: clinical testing. Allele origin: germline. Affected: yes. Observed: 4 variant alleles.

Baylor Genetics
Classification: Likely pathogenic for Familial cancer of breast. Last evaluated: 2024-03-09. Review status: criteria provided, single submitter. Criteria: ACMG Guidelines, 2015. Collection method: clinical testing. Allele origin: unknown.